The following is an entry in ClinVar:

NM_000252.3(MTM1):c.805A>T (p.Lys269Ter)

Gene: MTM1 (myotubularin 1; plus strand). Cytogenetic location: Xq28.
Variant type: single nucleotide variant.
Coding change: c.805A>T on transcript NM_000252.3 (MANE Select); coding-DNA position 805, A replaced by T.
Protein change: p.Lys269Ter; replaces lysine 269 with a stop codon.
Molecular consequence: nonsense.
Genome position (GRCh38, 1-based): chrX:150,645,809, A>T. VCF-style: chrX-150645809-A-T. GRCh37 (hg19) VCF-style: chrX-149814282-A-T.
Other names: c.805A>T, p.Lys269Ter (NM_001376906.1, NM_001376908.1); c.694A>T, p.Lys232Ter (NM_001376907.1); short protein forms K232*, K269*.
Identifiers: ClinVar variation 984253 (VCV000984253.3), dbSNP rs2039921355, ClinGen allele CA415256563.
Genomic context (GRCh38, chrX:150,645,809, plus strand): 5'-ATGAGTGGGAAACGAAATAAAGATGATGAGAAATATCTCGATGTTATCAGGGAGACTAAT[A>T]AACAAATTTCTAAACTCACCATTTATGATGCAAGACCCAGCGTAAATGCAGTGGCCAACA-3'

ClinVar aggregate classification (germline): Likely pathogenic (1 of 4 stars; one submission).

Conditions:
Severe X-linked myotubular myopathy (CNMX). Also called: MYOTUBULAR MYOPATHY 1; X-linked centronuclear myopathy; Myotubular myopathy, X-linked. Identifiers: Orphanet 596, MedGen C0410203, MONDO:0010683, OMIM 310400.

Submission:

Myriad Genetics, Inc.
Classification: Likely pathogenic for Severe X-linked myotubular myopathy. Last evaluated: 2019-06-25. Review status: criteria provided, single submitter. Criteria: Myriad Women's Health Autosomal Recessive and X-Linked Classification Criteria (2019). Collection method: clinical testing. Allele origin: unknown.
Comment: NM_000252.2(MTM1):c.805A>T(K269*) is expected to be pathogenic in the context of X-linked myotubular myopathy. This variant is predicted to lead to an abnormal or absent protein product due to the creation of a premature termination codon in MTM1, a gene where loss-of-function variants are known to be pathogenic. Please note: this variant was assessed in the context of healthy population screening.